The following is an entry in ClinVar:

ClinVar aggregate classification (germline): Uncertain significance (1 of 4 stars; one submission).

Submission:

GeneDx
Classification: Uncertain significance. Last evaluated: 2023-12-13. Review status: criteria provided, single submitter. Criteria: GeneDx Variant Classification Process June 2021. Collection method: clinical testing. Allele origin: germline. Affected: yes.
Comment: Not observed at significant frequency in large population cohorts (gnomAD); Missense variant in a gene in which most reported pathogenic variants are truncating/loss of function; Has not been previously published as pathogenic or benign to our knowledge

NM_001267550.2(TTN):c.7721C>A (p.Pro2574His)

Gene: TTN (titin; minus strand). Cytogenetic location: 2q31.2.
Variant type: single nucleotide variant.
Coding change: c.7721C>A on transcript NM_001267550.2 (MANE Select); coding-DNA position 7721, C replaced by A.
Protein change: p.Pro2574His; replaces proline 2574 with histidine.
Molecular consequence: missense variant.
Genome position (GRCh38, 1-based): chr2:178,773,243, G>T on the plus strand (C>A on the coding strand, the complement: TTN is on the minus strand). VCF-style: chr2-178773243-G-T. GRCh37 (hg19) VCF-style: chr2-179637970-G-T.
Other names: c.7721C>A, p.Pro2574His (NM_001256850.1, NM_133378.4, NM_133379.5); c.7583C>A, p.Pro2528His (NM_003319.4, NM_133432.3, NM_133437.4); short protein forms P2528H, P2574H.
Identifiers: ClinVar variation 3340560 (VCV003340560.1).